The following is an entry in ClinVar:

NM_002465.4(MYBPC1):c.1988T>A (p.Met663Lys)

Gene: MYBPC1 (myosin binding protein C1; plus strand). Cytogenetic location: 12q23.2.
Variant type: single nucleotide variant.
Coding change: c.1988T>A on transcript NM_002465.4 (MANE Select); coding-DNA position 1988, T replaced by A.
Protein change: p.Met663Lys; replaces methionine 663 with lysine.
Molecular consequence: missense variant.
Genome position (GRCh38, 1-based): chr12:101,661,218, T>A. VCF-style: chr12-101661218-T-A. GRCh37 (hg19) VCF-style: chr12-102054996-T-A.
Other names: c.1913T>A, p.Met638Lys (NM_001254718.3, NM_001254719.3, NM_206820.4 and 1 more transcripts); c.1877T>A, p.Met626Lys (NM_001254720.3); c.1856T>A, p.Met619Lys (NM_001254721.3, NM_001404676.1, NM_001404678.1); c.1835T>A, p.Met612Lys (NM_001254722.3, NM_001404680.1); c.1874T>A, p.Met625Lys (NM_001254723.3); c.1988T>A, p.Met663Lys (NM_001404675.1, NM_206819.4); c.1778T>A, p.Met593Lys (NM_001404677.1, NM_001404679.1, NM_001404681.1); short protein forms M619K, M663K, M626K, M593K, M625K, M612K, M638K.
Identifiers: ClinVar variation 5008559 (VCV005008559.1).

ClinVar aggregate classification (germline): Uncertain significance (1 of 4 stars; one submission).

Submission:

GeneDx
Classification: Uncertain significance. Last evaluated: 2026-03-04. Review status: criteria provided, single submitter. Criteria: GeneDx Variant Classification Process June 2021. Collection method: clinical testing. Allele origin: germline.
Comment: Not observed at significant frequency in large population cohorts (gnomAD); In silico analysis supports that this missense variant has a deleterious effect on protein structure/function; Has not been previously published as pathogenic or benign to our knowledge